The following is an entry in ClinVar:

NM_004793.4(LONP1):c.2014C>T (p.Arg672Cys)

Gene: LONP1 (lon peptidase 1, mitochondrial; minus strand). Cytogenetic location: 19p13.3.
Variant type: single nucleotide variant.
Coding change: c.2014C>T on transcript NM_004793.4 (MANE Select); coding-DNA position 2014, C replaced by T.
Protein change: p.Arg672Cys; replaces arginine 672 with cysteine.
Molecular consequence: missense variant. On other transcripts: non-coding transcript variant (1).
Genome position (GRCh38, 1-based): chr19:5,694,901, G>A on the plus strand (C>T on the coding strand, the complement: LONP1 is on the minus strand). VCF-style: chr19-5694901-G-A. GRCh37 (hg19) VCF-style: chr19-5694912-G-A.
Other names: c.1822C>T, p.Arg608Cys (NM_001276479.2); c.1426C>T, p.Arg476Cys (NM_001276480.1); short protein forms R476C, R608C, R672C.
Identifiers: ClinVar variation 931723 (VCV000931723.32), dbSNP rs777009012, ClinGen allele CA9114323.

ClinVar aggregate classification (germline): Conflicting classifications of pathogenicity. Review status: criteria provided, conflicting classifications (1 of 4 stars). 3 submissions from 3 submitters: Likely pathogenic (1); Uncertain significance (2). Last evaluated 2026-01-12.

Conditions:
CODAS syndrome. Also called: CEREBRAL, OCULAR, DENTAL, AURICULAR, AND SKELETAL ANOMALIES SYNDROME. Identifiers: Orphanet 1458, MedGen C1838180, MONDO:0010879, OMIM 600373.

Allele frequency attached by ClinVar (database versions not stated): ExAC 0.00004; gnomAD exomes 0.00004 and 0.00005; gnomAD 0.00006; TOPMed 0.00009.
gnomAD v4.1: 64 of 1,591,364 alleles (0.004%); highest among the groups gnomAD compares: East Asian, 0.018%; no homozygotes.

Submissions (3):

Labcorp Genetics (formerly Invitae), Labcorp
Classification: Uncertain significance. Last evaluated: 2026-01-12. Review status: criteria provided, single submitter. Criteria: Invitae Variant Classification Sherloc (09022015). Collection method: clinical testing. Allele origin: germline.
Comment: This sequence change replaces arginine, which is basic and polar, with cysteine, which is neutral and slightly polar, at codon 672 of the LONP1 protein (p.Arg672Cys). This variant is present in population databases (rs777009012, gnomAD 0.02%). This missense change has been observed in individuals with clinical features of CODAS syndrome (PMID: 25808063, 27878435, 36685982, 38927725). ClinVar contains an entry for this variant (Variation ID: 931723). Invitae Evidence Modeling of protein sequence and biophysical properties (such as structural, functional, and spatial information, amino acid conservation, physicochemical variation, residue mobility, and thermodynamic stability) has been performed for this missense variant. However, the output from this modeling did not meet the statistical confidence thresholds required to predict the impact of this variant on LONP1 protein function. In summary, the available evidence is currently insufficient to determine the role of this variant in disease. Therefore, it has been classified as a Variant of Uncertain Significance.

CeGaT Center for Human Genetics Tuebingen
Classification: Uncertain significance. Last evaluated: 2022-07-01. Review status: criteria provided, single submitter. Criteria: CeGaT Center For Human Genetics Tuebingen Variant Classification Criteria Version 2. Collection method: clinical testing. Allele origin: germline. Affected: yes. Observed: 1 variant allele.
Comment: LONP1: PM2

Centre for Mendelian Genomics, University Medical Centre Ljubljana
Classification: Likely pathogenic for CODAS syndrome. Last evaluated: 2019-07-17. Review status: criteria provided, single submitter. Criteria: ACMG Guidelines, 2015. Collection method: clinical testing. Allele origin: unknown. Affected: yes.
Comment: This variant was classified as: Likely pathogenic. The following ACMG criteria were applied in classifying this variant: PS1,PM2,PP1-M,PP3.

Literature cited by the submitters: PubMed 25808063 (cited by Labcorp Genetics (formerly Invitae), Labcorp); PubMed 27878435 (cited by Labcorp Genetics (formerly Invitae), Labcorp); PubMed 36685982 (cited by Labcorp Genetics (formerly Invitae), Labcorp); PubMed 38927725 (cited by Labcorp Genetics (formerly Invitae), Labcorp).